The following is an entry in ClinVar:

NM_003737.4(DCHS1):c.4837G>A (p.Ala1613Thr)

Gene: DCHS1 (dachsous cadherin-related 1; minus strand). Cytogenetic location: 11p15.4.
Variant type: single nucleotide variant.
Coding change: c.4837G>A on transcript NM_003737.4 (MANE Select); coding-DNA position 4837, G replaced by A.
Protein change: p.Ala1613Thr; replaces alanine 1613 with threonine.
Molecular consequence: missense variant.
Genome position (GRCh38, 1-based): chr11:6,629,870, C>T on the plus strand (G>A on the coding strand, the complement: DCHS1 is on the minus strand). VCF-style: chr11-6629870-C-T. GRCh37 (hg19) VCF-style: chr11-6651101-C-T.
Other names: short protein forms A1613T.
Identifiers: ClinVar variation 2778290 (VCV002778290.3), dbSNP rs772557937, ClinGen allele CA5860249.

ClinVar aggregate classification (germline): Uncertain significance (1 of 4 stars; one submission).

Allele frequency attached by ClinVar (database versions not stated): ExAC 0.00002; gnomAD exomes 0.00003.

Submission:

Labcorp Genetics (formerly Invitae), Labcorp
Classification: Uncertain significance. Last evaluated: 2023-02-03. Review status: criteria provided, single submitter. Criteria: Invitae Variant Classification Sherloc (09022015). Collection method: clinical testing. Allele origin: germline.
Comment: This variant is present in population databases (rs772557937, gnomAD 0.03%). In summary, the available evidence is currently insufficient to determine the role of this variant in disease. Therefore, it has been classified as a Variant of Uncertain Significance. Advanced modeling of protein sequence and biophysical properties (such as structural, functional, and spatial information, amino acid conservation, physicochemical variation, residue mobility, and thermodynamic stability) performed at Invitae indicates that this missense variant is not expected to disrupt DCHS1 protein function. This variant has not been reported in the literature in individuals affected with DCHS1-related conditions. This sequence change replaces alanine, which is neutral and non-polar, with threonine, which is neutral and polar, at codon 1613 of the DCHS1 protein (p.Ala1613Thr).